The following is an entry in ClinVar:

NM_000435.3(NOTCH3):c.6620G>A (p.Arg2207Gln)

Gene: NOTCH3 (notch receptor 3; minus strand). Cytogenetic location: 19p13.12.
Variant type: single nucleotide variant.
Coding change: c.6620G>A on transcript NM_000435.3 (MANE Select); coding-DNA position 6620, G replaced by A.
Protein change: p.Arg2207Gln; replaces arginine 2207 with glutamine.
Molecular consequence: missense variant.
Genome position (GRCh38, 1-based): chr19:15,161,008, C>T on the plus strand (G>A on the coding strand, the complement: NOTCH3 is on the minus strand). VCF-style: chr19-15161008-C-T. GRCh37 (hg19) VCF-style: chr19-15271819-C-T.
Other names: short protein forms R2207Q.
Identifiers: ClinVar variation 1805895 (VCV001805895.6), dbSNP rs765739997, ClinGen allele CA9262339.
Genomic context (GRCh38, chr19:15,161,008, plus strand): 5'-TGTGCCCCAGCCGCCGGGTACTCCTCGCCATGTCCTGGGACTGCCAGGTAAGGCGGGGGC[C>T]GCTCCTGCGGGGAGACGGGGGTCCCTGGGTTGAGCAGCTGGGGTCCCGGCGCCAGTGGCA-3'
Protein context (NP_000426.2, residues 2197-2217): NPGTPVSPQE[Arg2207Gln]PPPYLAVPGH

ClinVar aggregate classification (germline): Conflicting classifications of pathogenicity. Review status: criteria provided, conflicting classifications (1 of 4 stars). 5 submissions from 5 submitters: Uncertain significance (3); Likely benign (2). Last evaluated 2026-03-12.

Conditions:
Cerebral arteriopathy, autosomal dominant, with subcortical infarcts and leukoencephalopathy, type 1 (CADASIL1). Also called: CADASIL 1; CASIL; Cerebral arteriopathy with subcortical infarcts and leukoencephalopathy 1; DEMENTIA, HEREDITARY MULTIINFARCT TYPE. Identifiers: Orphanet 136, MedGen C4551768, MONDO:0000914, OMIM 125310.
NOTCH3-related disorder. Also called: NOTCH3-related condition; NOTCH3-related disorders.
Myofibromatosis, infantile, 2. Identifiers: Orphanet 2591, MedGen C3809084, MONDO:0014122, OMIM 615293.
Lateral meningocele syndrome (LMNS). Also called: NOTCH3-Related Lateral Meningocele Syndrome. Identifiers: Orphanet 2789, MedGen C1851710, MONDO:0007537, OMIM 130720.

Allele frequency attached by ClinVar (database versions not stated): gnomAD 0.00001; TOPMed 0.00002.
gnomAD v4.1: 39 of 1,542,786 alleles (0.0025%); highest among the groups gnomAD compares: Middle Eastern, 0.052%; no homozygotes.

Submissions (5):

PreventionGenetics, part of Exact Sciences
Classification: Uncertain significance for NOTCH3-related condition. Last evaluated: 2026-03-12. Review status: criteria provided, single submitter. Criteria: ACMG Guidelines, 2015. Collection method: clinical testing. Allele origin: germline.
Comment: The NOTCH3 c.6620G>A variant is predicted to result in the amino acid substitution p.Arg2207Gln. To our knowledge, this variant has not been reported in the literature. This variant is reported in 0.023% of alleles in individuals of East Asian descent in gnomAD. At this time, the clinical significance of this variant is uncertain due to the absence of conclusive functional and genetic evidence.

Women's Health and Genetics/Laboratory Corporation of America, LabCorp
Classification: Uncertain significance. Last evaluated: 2026-01-06. Review status: criteria provided, single submitter. Criteria: LabCorp Variant Classification Summary - May 2015. Collection method: clinical testing. Allele origin: germline.
Comment: Variant summary: NOTCH3 c.6620G>A (p.Arg2207Gln) results in a conservative amino acid change in the encoded protein sequence. Algorithms developed to predict the effect of missense changes on protein structure and function all suggest that this variant is likely to be tolerated. The variant allele was found at a frequency of 3.9e-05 in 152328 control chromosomes. The available data on variant occurrences in the general population are insufficient to allow any conclusion about variant significance. To our knowledge, no occurrence of c.6620G>A in individuals affected with NOTCH3-related conditions and no experimental evidence demonstrating its impact on protein function have been reported. ClinVar contains an entry for this variant (Variation ID: 1805895). Based on the evidence outlined above, the variant was classified as uncertain significance.

Blueprint Genetics
Classification: Likely benign. Last evaluated: 2024-11-13. Review status: criteria provided, single submitter. Criteria: ACMG Guidelines, 2015. Collection method: clinical testing. Allele origin: germline.

Victorian Clinical Genetics Services, Murdoch Childrens Research Institute
Classification: Uncertain significance for Cerebral arteriopathy, autosomal dominant, with subcortical infarcts and leukoencephalopathy, type 1. Last evaluated: 2023-07-16. Review status: criteria provided, single submitter. Criteria: ACMG Guidelines, 2015. Collection method: clinical testing. Allele origin: germline. Inheritance: Autosomal dominant inheritance. Affected: yes.
Comment: Based on the classification scheme VCGS_Germline_v1.3.4, this variant is classified as VUS-3C. Following criteria are met: 0105 - The mechanism of disease for this gene is not clearly established. Both loss of function and dominant negative have been suggested as mechanisms in CADASIL (MIM#125310), however lateral meningocele syndrome (MIM#130720) results from a gain of function (OMIM). (I) 0107 - This gene is associated with autosomal dominant disease. (I) 0115 - Variants in this gene are known to have variable expressivity. The p.(Arg544Cys) variant is associated with a later age of onset and milder clinical features than other NOTCH3 variants (GeneReviews, PMID: 26308724). (I) 0200 - Variant is predicted to result in a missense amino acid change from arginine to glutamine. (I) 0251 - This variant is heterozygous. (I) 0302 - Variant is present in gnomAD <0.001 for a dominant condition (v2: 6 heterozygotes, 0 homozygotes). (SP) 0309 - An alternative amino acid change at the same position has been observed in gnomAD (v3: 9 heterozygotes, 0 homozygotes). (I) 0503 - Missense variant consistently predicted to be tolerated by multiple in silico tools or not conserved in placental mammals with a minor amino acid change. (SB) 0604 - Variant is not located in an established domain, motif, hotspot or informative constraint region. (I) 0710 - Another missense variant comparable to the one identified in this case has inconclusive previous evidence for pathogenicity. The p.(Arg2207Trp) variant has been classified as a VUS by clinical laboratories in ClinVar. (I) 0807 - This variant has no previous evidence of pathogenicity. (I) 0905 - No published segregation evidence has been identified for this variant. (I) 1007 - No published functional evidence has been identified for this variant. (I) 1208 - Inheritance information for this variant is not currently available in this individual. (I) Legend: (SP) - Supporting pathogenic, (I) - Information, (SB) - Supporting benign

Department of Pathology and Laboratory Medicine, Sinai Health System
Classification: Likely benign for Cerebral arteriopathy, autosomal dominant, with subcortical infarcts and leukoencephalopathy, type 1; Lateral meningocele syndrome; Myofibromatosis, infantile, 2. Last evaluated: 2021-12-15. Review status: criteria provided, single submitter. Criteria: ACMG Guidelines, 2015. Collection method: research. Allele origin: germline.

Literature cited by the submitters: PubMed 26308724 (cited by Victorian Clinical Genetics Services, Murdoch Childrens Research Institute).